The following is an entry in ClinVar:

ClinVar aggregate classification (germline): Uncertain significance (1 of 4 stars; one submission).

Conditions:
Hereditary cancer-predisposing syndrome. Also called: Hereditary Cancer Syndrome; Tumor predisposition; Hereditary neoplastic syndrome; Neoplastic Syndromes, Hereditary. Identifiers: Orphanet 140162, MedGen C0027672, MeSH D009386, MONDO:0015356.

Submission:

Ambry Genetics
Classification: Uncertain significance for Hereditary cancer-predisposing syndrome. Last evaluated: 2024-09-05. Review status: criteria provided, single submitter. Criteria: Ambry Variant Classification Scheme 2023. Collection method: clinical testing. Allele origin: germline.
Comment: The p.K974T variant (also known as c.2921A>C), located in coding exon 12 of the MET gene, results from an A to C substitution at nucleotide position 2921. The lysine at codon 974 is replaced by threonine, an amino acid with similar properties. This amino acid position is conserved. In addition, the in silico prediction for this alteration is inconclusive. Based on the available evidence, the clinical significance of this variant remains unclear.

NM_000245.4(MET):c.2867A>C (p.Lys956Thr)

Gene: MET (MET proto-oncogene, receptor tyrosine kinase; plus strand). Cytogenetic location: 7q31.2.
Variant type: single nucleotide variant.
Coding change: c.2867A>C on transcript NM_000245.4 (MANE Select); coding-DNA position 2867, A replaced by C.
Protein change: p.Lys956Thr; replaces lysine 956 with threonine.
Molecular consequence: missense variant.
Genome position (GRCh38, 1-based): chr7:116,771,634, A>C. VCF-style: chr7-116771634-A-C. GRCh37 (hg19) VCF-style: chr7-116411688-A-C.
Other names: c.2921A>C, p.Lys974Thr (NM_001127500.3); c.1577A>C, p.Lys526Thr (NM_001324402.2); short protein forms K526T, K956T, K974T.
Identifiers: ClinVar variation 3395148 (VCV003395148.1).